The following is an entry in ClinVar:

NM_002878.4(RAD51D):c.606G>A (p.Val202=)

Genes: RAD51D (RAD51 paralog D; minus strand), RAD51L3-RFFL (RAD51L3-RFFL readthrough; minus strand). Cytogenetic location: 17q12.
Variant type: single nucleotide variant.
Coding change: c.606G>A on transcript NM_002878.4 (MANE Select); coding-DNA position 606, G replaced by A.
Protein change: p.Val202=; no amino-acid change (valine 202 retained).
Molecular consequence: synonymous variant. On other transcripts: non-coding transcript variant (3).
Genome position (GRCh38, 1-based): chr17:35,103,515, C>T on the plus strand (G>A on the coding strand, the complement: RAD51D is on the minus strand). VCF-style: chr17-35103515-C-T. GRCh37 (hg19) VCF-style: chr17-33430534-C-T.
Other names: c.666G>A, p.Val222= (NM_001142571.2); c.270G>A, p.Val90= (NM_133629.3).
Identifiers: ClinVar variation 3903816 (VCV003903816.1).
Genomic context (GRCh38, chr17:35,103,515, plus strand): 5'-TTCCCTCTGCTGACCTCCCAGAAGTGGGGAAACCACCGCAGTGACCGAGTCCACAACCAC[C>T]ACCTTCACAGTTCCTGAAGAACCAGTCACCTGAAGGAATGTGGGGGAAGCACTCATGAAC-3'
Protein context (NP_002869.3, residues 192-212): QVTGSSGTVK[Val202=]VVVDSVTAVV

ClinVar aggregate classification (germline): Benign (1 of 4 stars; one submission).

Conditions:
Breast-ovarian cancer, familial, susceptibility to, 4. Identifiers: Orphanet 145, MedGen C3280345, MONDO:0013669, OMIM 614291.

Submission:

Myriad Genetics, Inc.
Classification: Benign for Breast-ovarian cancer, familial, susceptibility to, 4. Last evaluated: 2025-02-24. Review status: criteria provided, single submitter. Criteria: Myriad Autosomal Dominant, Autosomal Recessive and X-Linked Classification Criteria (2023). Collection method: clinical testing. Allele origin: unknown.
Comment: This variant is considered benign. This variant is a silent/synonymous amino acid change and it is not expected to impact splicing.